The following is an entry in ClinVar:

NM_001042492.3(NF1):c.236dup (p.Leu79fs)

Gene: NF1 (neurofibromin 1; plus strand). Cytogenetic location: 17q11.2.
Variant type: Duplication.
Coding change: c.236dup on transcript NM_001042492.3 (MANE Select); coding-DNA position 236, one base duplicated (T; older notation c.236dupT).
Protein change: p.Leu79fs; shifts the reading frame from leucine 79.
Molecular consequence: frameshift variant.
Genome position (GRCh38, 1-based): chr17:31,159,041, T duplicated; the last of 3 consecutive T bases (chr17:31,159,039-31,159,041); duplicating any one gives the same sequence. VCF-style (leftmost placement, unchanged base first): chr17-31159038-A-AT. GRCh37 (hg19) VCF-style: chr17-29486056-A-AT.
Other names: c.236dup, p.Leu79Phefs (NM_000267.4); c.236dup, p.Leu79fs (NM_001128147.3); short protein forms L79fs.
Identifiers: ClinVar variation 2064682 (VCV002064682.4), dbSNP rs749577520, ClinGen allele CA8485503.

ClinVar aggregate classification (germline): Pathogenic (1 of 4 stars; one submission).

Conditions:
Neurofibromatosis, type 1 (NF1). Also called: NEUROFIBROMATOSIS, TYPE I, SOMATIC; VON RECKLINGHAUSEN DISEASE; Peripheral type neurofibromatosis; Neurofibromatosis, type I. Identifiers: Orphanet 636, MedGen C0027831, MONDO:0018975, OMIM 162200. Disease mechanism: loss of function.

Submission:

Labcorp Genetics (formerly Invitae), Labcorp
Classification: Pathogenic for Neurofibromatosis, type 1. Last evaluated: 2024-04-22. Review status: criteria provided, single submitter. Criteria: Invitae Variant Classification Sherloc (09022015). Collection method: clinical testing. Allele origin: germline.
Comment: This sequence change creates a premature translational stop signal (p.Leu79Phefs*28) in the NF1 gene. It is expected to result in an absent or disrupted protein product. Loss-of-function variants in NF1 are known to be pathogenic (PMID: 10712197, 23913538). This variant is not present in population databases (gnomAD no frequency). This variant has not been reported in the literature in individuals affected with NF1-related conditions. ClinVar contains an entry for this variant (Variation ID: 2064682). For these reasons, this variant has been classified as Pathogenic.

Literature cited by the submitters: PubMed 10712197; PubMed 23913538.